The following is an entry in ClinVar:

ClinVar aggregate classification (germline): Uncertain significance (1 of 4 stars; one submission).

Conditions:
Neuronal ceroid lipofuscinosis. Also called: Neuronal Ceroid Lipofuscinoses. Identifiers: Orphanet 216, Orphanet 79263, MedGen C0027877, MONDO:0016295. Disease mechanism: loss of function.

gnomAD v4.1: 1 of 1,614,158 alleles (0.000062%); highest among the groups gnomAD compares: Non-Finnish European, 0.000085%; no homozygotes.

Submission:

Labcorp Genetics (formerly Invitae), Labcorp
Classification: Uncertain significance for Neuronal ceroid lipofuscinosis. Last evaluated: 2025-10-16. Review status: criteria provided, single submitter. Criteria: Invitae Variant Classification Sherloc (09022015). Collection method: clinical testing. Allele origin: germline.
Comment: This sequence change replaces proline, which is neutral and non-polar, with leucine, which is neutral and non-polar, at codon 141 of the DNAJC5 protein (p.Pro141Leu). This variant is not present in population databases (gnomAD no frequency). This variant has not been reported in the literature in individuals affected with DNAJC5-related conditions. An algorithm developed to predict the effect of missense changes on protein structure and function (PolyPhen-2) suggests that this variant is likely to be tolerated. In summary, the available evidence is currently insufficient to determine the role of this variant in disease. Therefore, it has been classified as a Variant of Uncertain Significance.

NM_025219.3(DNAJC5):c.422C>T (p.Pro141Leu)

Gene: DNAJC5 (DnaJ heat shock protein family (Hsp40) member C5; plus strand). Cytogenetic location: 20q13.33.
Variant type: single nucleotide variant.
Coding change: c.422C>T on transcript NM_025219.3 (MANE Select); coding-DNA position 422, C replaced by T.
Protein change: p.Pro141Leu; replaces proline 141 with leucine.
Molecular consequence: missense variant.
Genome position (GRCh38, 1-based): chr20:63,930,951, C>T. VCF-style: chr20-63930951-C-T. GRCh37 (hg19) VCF-style: chr20-62562304-C-T.
Other names: short protein forms P141L.
Identifiers: ClinVar variation 4776887 (VCV004776887.1).